The following is an entry in ClinVar:

NM_001144967.3(NEDD4L):c.1820A>C (p.Lys607Thr)

Gene: NEDD4L (NEDD4 like E3 ubiquitin protein ligase; plus strand). Cytogenetic location: 18q21.31.
Variant type: single nucleotide variant.
Coding change: c.1820A>C on transcript NM_001144967.3 (MANE Select); coding-DNA position 1820, A replaced by C.
Protein change: p.Lys607Thr; replaces lysine 607 with threonine.
Molecular consequence: missense variant.
Genome position (GRCh38, 1-based): chr18:58,364,320, A>C. VCF-style: chr18-58364320-A-C. GRCh37 (hg19) VCF-style: chr18-56031552-A-C.
Other names: c.1457A>C, p.Lys486Thr (NM_001144964.1, NM_001144965.2, NM_001144966.3); c.1796A>C, p.Lys599Thr (NM_001144968.2); c.1736A>C, p.Lys579Thr (NM_001144969.2); c.1397A>C, p.Lys466Thr (NM_001144970.3, NM_001144971.2); c.1628A>C, p.Lys543Thr (NM_001243960.2); c.1760A>C, p.Lys587Thr (NM_015277.6); short protein forms K579T, K599T, K466T, K543T, K486T, K587T, K607T.
Identifiers: ClinVar variation 966393 (VCV000966393.8), dbSNP rs2045860030, ClinGen allele CA402545974.

ClinVar aggregate classification (germline): Uncertain significance (1 of 4 stars; one submission).

Submission:

Labcorp Genetics (formerly Invitae), Labcorp
Classification: Uncertain significance. Last evaluated: 2023-05-01. Review status: criteria provided, single submitter. Criteria: Invitae Variant Classification Sherloc (09022015). Collection method: clinical testing. Allele origin: germline.
Comment: This sequence change replaces lysine, which is basic and polar, with threonine, which is neutral and polar, at codon 587 of the NEDD4L protein (p.Lys587Thr). This variant is not present in population databases (gnomAD no frequency). In summary, the available evidence is currently insufficient to determine the role of this variant in disease. Therefore, it has been classified as a Variant of Uncertain Significance. Advanced modeling of protein sequence and biophysical properties (such as structural, functional, and spatial information, amino acid conservation, physicochemical variation, residue mobility, and thermodynamic stability) performed at Invitae indicates that this missense variant is not expected to disrupt NEDD4L protein function. ClinVar contains an entry for this variant (Variation ID: 966393). This variant has not been reported in the literature in individuals affected with NEDD4L-related conditions.